The following is an entry in ClinVar:

NM_000443.4(ABCB4):c.3336C>T (p.Leu1112=)

Gene: ABCB4 (ATP binding cassette subfamily B member 4; minus strand). Cytogenetic location: 7q21.12.
Variant type: single nucleotide variant.
Coding change: c.3336C>T on transcript NM_000443.4 (MANE Select); coding-DNA position 3336, C replaced by T.
Protein change: p.Leu1112=; no amino-acid change (leucine 1112 retained).
Molecular consequence: synonymous variant.
Genome position (GRCh38, 1-based): chr7:87,406,438, G>A on the plus strand (C>T on the coding strand, the complement: ABCB4 is on the minus strand). VCF-style: chr7-87406438-G-A. GRCh37 (hg19) VCF-style: chr7-87035754-G-A.
Other names: c.3357C>T, p.Leu1119= (NM_018849.3); c.3195C>T, p.Leu1065= (NM_018850.3).
Identifiers: ClinVar variation 509769 (VCV000509769.11), dbSNP rs756982751, ClinGen allele CA4326786.

ClinVar aggregate classification (germline): Likely benign. Review status: criteria provided, multiple submitters, no conflicts (2 of 4 stars). 5 submissions from 5 submitters: Likely benign (4). 1 of the submissions does not count toward it. Last evaluated 2026-04-14.

Conditions:
ABCB4-related disorder. Also called: ABCB4-related disorders; ABCB4-related condition.
Familial intrahepatic cholestasis. Identifiers: Orphanet 284385, MedGen CN296401, MONDO:0017290.
Low phospholipid associated cholelithiasis (GBD1). Also called: Gallstone cholecystitis; Gallbladder disease 1. Identifiers: Orphanet 69663, MedGen C2609268, MONDO:0010939, OMIM 600803.

Allele frequency attached by ClinVar (database versions not stated): gnomAD 0.00008 and 0.00009; gnomAD exomes 0.00008 and 0.00019; ExAC 0.00009; TOPMed 0.00011.
gnomAD v4.1: 307 of 1,613,778 alleles (0.019%); highest among the groups gnomAD compares: Non-Finnish European, 0.023%; no homozygotes.

Submissions (5):

Genomenon, Inc
Classification: Likely benign for Familial intrahepatic cholestasis; Low phospholipid associated cholelithiasis. Last evaluated: 2026-04-14. Review status: criteria provided, single submitter. Criteria: Genomenon Sequence Variant Interpretation Standards - Updated. Collection method: curation. Allele origin: germline. Affected: no.
Comment: ABCB4 c.3336C>T is a synonymous variant that retains Leucine at residue 1112. This variant has been reported in the published literature (PMID:30079523). It is absent or not present at a significant frequency in gnomAD. This synonymous variant is not predicted to impact splicing. In conclusion, we classify ABCB4 p.Leu1112= (c.3336C>T) as a likely benign variant.

Labcorp Genetics (formerly Invitae), Labcorp
Classification: Likely benign. Last evaluated: 2026-01-12. Review status: criteria provided, single submitter. Criteria: Invitae Variant Classification Sherloc (09022015). Collection method: clinical testing. Allele origin: germline.

GeneDx
Classification: Likely benign. Last evaluated: 2017-05-30. Review status: criteria provided, single submitter. Criteria: GeneDx Variant Classification (06012015). Collection method: clinical testing. Allele origin: germline. Affected: yes.
Comment: This variant is considered likely benign or benign based on one or more of the following criteria: it is a conservative change, it occurs at a poorly conserved position in the protein, it is predicted to be benign by multiple in silico algorithms, and/or has population frequency not consistent with disease.

Breakthrough Genomics
Classification: Likely benign. Review status: criteria provided, single submitter. Criteria: ACMG Guidelines, 2015. Collection method: not provided. Allele origin: germline. Inheritance: Autosomal recessive inheritance. Affected: yes.

PreventionGenetics, part of Exact Sciences
Classification: Likely benign for ABCB4-related condition. Last evaluated: 2021-05-14. Review status: no assertion criteria provided. Collection method: clinical testing. Allele origin: germline. Not counted in ClinVar's aggregate classification.
Comment: This variant is classified as likely benign based on ACMG/AMP sequence variant interpretation guidelines (Richards et al. 2015 PMID: 25741868, with internal and published modifications).

Literature cited by the submitters: PubMed 30079523 (cited by Genomenon, Inc).